The following is an entry in ClinVar:

ClinVar aggregate classification (germline): Uncertain significance (1 of 4 stars; one submission).

Submission:

GeneDx
Classification: Uncertain significance. Last evaluated: 2024-09-21. Review status: criteria provided, single submitter. Criteria: GeneDx Variant Classification Process June 2021. Collection method: clinical testing. Allele origin: germline. Affected: yes.
Comment: Not observed at significant frequency in large population cohorts (gnomAD); In silico analysis indicates that this missense variant does not alter protein structure/function; Has not been previously published as pathogenic or benign to our knowledge

NM_031263.4(HNRNPK):c.922C>G (p.Pro308Ala)

Gene: HNRNPK (heterogeneous nuclear ribonucleoprotein K; minus strand). Cytogenetic location: 9q21.32.
Variant type: single nucleotide variant.
Coding change: c.922C>G on transcript NM_031263.4 (MANE Select); coding-DNA position 922, C replaced by G.
Protein change: p.Pro308Ala; replaces proline 308 with alanine.
Molecular consequence: missense variant.
Genome position (GRCh38, 1-based): chr9:83,971,913, G>C on the plus strand (C>G on the coding strand, the complement: HNRNPK is on the minus strand). VCF-style: chr9-83971913-G-C. GRCh37 (hg19) VCF-style: chr9-86586828-G-C.
Other names: c.850C>G, p.Pro284Ala (NM_001318186.2, NM_001318187.2); c.922C>G, p.Pro308Ala (NM_001318188.2, NM_002140.5, NM_031262.4); short protein forms P284A, P308A.
Identifiers: ClinVar variation 3774134 (VCV003774134.1).